The following is an entry in ClinVar:

NM_000231.3(SGCG):c.167G>A (p.Trp56Ter)

Gene: SGCG (sarcoglycan gamma; plus strand). Cytogenetic location: 13q12.12.
Variant type: single nucleotide variant.
Coding change: c.167G>A on transcript NM_000231.3 (MANE Select); coding-DNA position 167, G replaced by A.
Protein change: p.Trp56Ter; replaces tryptophan 56 with a stop codon.
Molecular consequence: nonsense.
Genome position (GRCh38, 1-based): chr13:23,203,861, G>A. VCF-style: chr13-23203861-G-A. GRCh37 (hg19) VCF-style: chr13-23778000-G-A.
Other names: p.Trp56Ter; c.221G>A, p.Trp74Ter (NM_001378244.1); c.167G>A, p.Trp56Ter (NM_001378245.1, NM_001378246.1); short protein forms W56*, W74*.
Identifiers: ClinVar variation 856157 (VCV000856157.11), dbSNP rs1351510337, ClinGen allele CA387502790.
Genomic context (GRCh38, chr13:23,203,861, plus strand): 5'-TCTACTTGTTTGTTCTTCTTTTACTCATCATCCTCGTTGTGAATTTAGCTCTTACAATTT[G>A]GATTCTTAAAGTGATGTGGTTTTCTCCAGTAAGTATCATTATTTTCTGGTAAGCATGTTC-3'

ClinVar aggregate classification (germline): Pathogenic. Review status: criteria provided, multiple submitters, no conflicts (2 of 4 stars). 2 submissions from 2 submitters: Pathogenic (2). Last evaluated 2023-11-07.

Conditions:
Autosomal recessive limb-girdle muscular dystrophy type 2C (LGMDR5). Also called: MUSCULAR DYSTROPHY, DUCHENNE-LIKE; MUSCULAR DYSTROPHY, LIMB-GIRDLE, AUTOSOMAL RECESSIVE 5. Identifiers: Orphanet 353, MedGen C0410173, MONDO:0009677, OMIM 253700. Disease mechanism: Affects gamma-sarcoglycan and also disrupts the integrity of the entire sarcoglycan complex..

Allele frequency attached by ClinVar (database versions not stated): gnomAD exomes below 0.00001.
gnomAD v4.1: 2 of 1,613,556 alleles (0.00012%); highest among the groups gnomAD compares: Non-Finnish European, 0.00017%; no homozygotes.

Submissions (2):

Molecular Genetics and NGS Laboratory, Hospital Fundacion Valle Del Lili
Classification: Pathogenic for Autosomal recessive limb-girdle muscular dystrophy type 2C. Last evaluated: 2023-11-07. Review status: criteria provided, single submitter. Criteria: ACMG Guidelines, 2015. Collection method: clinical testing. Allele origin: germline. Affected: yes. Observed: 1 variant allele.

Labcorp Genetics (formerly Invitae), Labcorp
Classification: Pathogenic for Autosomal recessive limb-girdle muscular dystrophy type 2C. Last evaluated: 2019-01-18. Review status: criteria provided, single submitter. Criteria: Invitae Variant Classification Sherloc (09022015). Collection method: clinical testing. Allele origin: germline.
Comment: For these reasons, this variant has been classified as Pathogenic. Loss-of-function variants in SGCG are known to be pathogenic (PMID: 18285821). Algorithms developed to predict the effect of sequence changes on RNA splicing suggest that this variant may create or strengthen a splice site, but this prediction has not been confirmed by published transcriptional studies. This variant has not been reported in the literature in individuals with SGCG-related conditions. This variant is not present in population databases (ExAC no frequency). This sequence change creates a premature translational stop signal (p.Trp56*) in the SGCG gene. It is expected to result in an absent or disrupted protein product.

Literature cited by the submitters: PubMed 18285821 (cited by Labcorp Genetics (formerly Invitae), Labcorp).